The following is an entry in ClinVar:

ClinVar aggregate classification (germline): Conflicting classifications of pathogenicity. Review status: criteria provided, conflicting classifications (1 of 4 stars). 2 submissions from 2 submitters: Uncertain significance (1); Likely benign (1). Last evaluated 2024-09-25.

Conditions:
Hereditary breast ovarian cancer syndrome. Also called: Hereditary breast and/or ovarian cancer syndrome; Hereditary breast and ovarian cancer syndrome; Breast and ovarian cancer; Hereditary breast and ovarian cancer; BRCA1- and BRCA2-Associated Hereditary Breast and Ovarian Cancer; Hereditary breast and ovarian cancer syndrome (HBOC). Identifiers: Orphanet 145, MedGen C0677776, MeSH D061325, MONDO:0003582. Disease mechanism: loss of function.

Submissions (2):

Blueprint Genetics
Classification: Likely benign. Last evaluated: 2024-09-25. Review status: criteria provided, single submitter. Criteria: ACMG Guidelines, 2015. Collection method: clinical testing. Allele origin: germline.

Labcorp Genetics (formerly Invitae), Labcorp
Classification: Uncertain significance for Hereditary breast ovarian cancer syndrome. Last evaluated: 2023-09-03. Review status: criteria provided, single submitter. Criteria: Invitae Variant Classification Sherloc (09022015). Collection method: clinical testing. Allele origin: germline.
Comment: In summary, the available evidence is currently insufficient to determine the role of this variant in disease. Therefore, it has been classified as a Variant of Uncertain Significance. Advanced modeling of protein sequence and biophysical properties (such as structural, functional, and spatial information, amino acid conservation, physicochemical variation, residue mobility, and thermodynamic stability) performed at Invitae indicates that this missense variant is not expected to disrupt BRCA2 protein function. This variant has not been reported in the literature in individuals affected with BRCA2-related conditions. This variant is not present in population databases (gnomAD no frequency). This sequence change replaces glycine, which is neutral and non-polar, with arginine, which is basic and polar, at codon 800 of the BRCA2 protein (p.Gly800Arg).

NM_000059.4(BRCA2):c.2398G>C (p.Gly800Arg)

Gene: BRCA2 (BRCA2 DNA repair associated; plus strand). Cytogenetic location: 13q13.1.
Variant type: single nucleotide variant.
Coding change: c.2398G>C on transcript NM_000059.4 (MANE Select); coding-DNA position 2398, G replaced by C.
Protein change: p.Gly800Arg; replaces glycine 800 with arginine.
Molecular consequence: missense variant. On other transcripts: non-coding transcript variant (1), intron variant (2).
Genome position (GRCh38, 1-based): chr13:32,336,753, G>C. VCF-style: chr13-32336753-G-C. GRCh37 (hg19) VCF-style: chr13-32910890-G-C.
Other names: c.2398G>C, p.Gly800Arg (NM_001406719.1, NM_001406720.1); c.1909+3366G>C (NM_001406721.1); c.424+5723G>C (NM_001406722.1); short protein forms G800R.
Identifiers: ClinVar variation 3018213 (VCV003018213.4), dbSNP rs431825297, ClinGen allele CA247502164.